The following is an entry in ClinVar:

NM_020884.7(MYH7B):c.1813del (p.Pro604_Leu605insTer)

Gene: MYH7B (myosin heavy chain 7B; plus strand). Cytogenetic location: 20q11.22.
Variant type: Deletion.
Coding change: c.1813del on transcript NM_020884.7 (MANE Select); coding-DNA position 1813, one base deleted (C; older notation c.1813delC).
Protein change: p.Pro604_Leu605insTer.
Molecular consequence: nonsense.
Genome position (GRCh38, 1-based): chr20:34,990,059, C deleted; the last of 4 consecutive C bases (chr20:34,990,056-34,990,059); deleting any one gives the same sequence. VCF-style (leftmost placement, unchanged base first): chr20-34990055-TC-T. GRCh37 (hg19) VCF-style: chr20-33577858-TC-T.
Identifiers: ClinVar variation 1463584 (VCV001463584.7), dbSNP rs2147206158, ClinGen allele CA2573157052.

ClinVar aggregate classification (germline): Uncertain significance (1 of 4 stars; one submission).

Submission:

Labcorp Genetics (formerly Invitae), Labcorp
Classification: Uncertain significance. Last evaluated: 2021-01-07. Review status: criteria provided, single submitter. Criteria: Invitae Variant Classification Sherloc (09022015). Collection method: clinical testing. Allele origin: germline.
Comment: This variant is not present in population databases (ExAC no frequency). In summary, the available evidence is currently insufficient to determine the role of this variant in disease. Therefore, it has been classified as a Variant of Uncertain Significance. This variant has not been reported in the literature in individuals with MYH7B-related conditions. This sequence change creates a premature translational stop signal (p.Leu647*) in the MYH7B gene. It is expected to result in an absent or disrupted protein product. However, the current clinical and genetic evidence is not sufficient to establish whether loss-of-function variants in MYH7B cause disease.